The following is an entry in ClinVar:

ClinVar aggregate classification (germline): Likely benign (0 of 4 stars; one submission).

Conditions:
NUP133-related disorder. Also called: NUP133-related condition.

Allele frequency attached by ClinVar (database versions not stated): gnomAD exomes 0.00001; gnomAD 0.00003; TOPMed 0.00003; ExAC 0.00007.
gnomAD v4.1: 25 of 1,613,918 alleles (0.0015%); highest among the groups gnomAD compares: East Asian, 0.056%; no homozygotes.

Submission:

PreventionGenetics, part of Exact Sciences
Classification: Likely benign for NUP133-related condition. Last evaluated: 2019-08-26. Review status: no assertion criteria provided. Collection method: clinical testing. Allele origin: germline.
Comment: This variant is classified as likely benign based on ACMG/AMP sequence variant interpretation guidelines (Richards et al. 2015 PMID: 25741868, with internal and published modifications).

NM_018230.3(NUP133):c.2157T>C (p.Ile719=)

Gene: NUP133 (nucleoporin 133; minus strand). Cytogenetic location: 1q42.13.
Variant type: single nucleotide variant.
Coding change: c.2157T>C on transcript NM_018230.3 (MANE Select); coding-DNA position 2157, T replaced by C.
Protein change: p.Ile719=; no amino-acid change (isoleucine 719 retained).
Molecular consequence: synonymous variant.
Genome position (GRCh38, 1-based): chr1:229,466,676, A>G on the plus strand (T>C on the coding strand, the complement: NUP133 is on the minus strand). VCF-style: chr1-229466676-A-G. GRCh37 (hg19) VCF-style: chr1-229602423-A-G.
Identifiers: ClinVar variation 3053071 (VCV003053071.2), dbSNP rs775408547, ClinGen allele CA1443365.